The following is an entry in ClinVar:

NM_032242.4(PLXNA1):c.3502C>T (p.Pro1168Ser)

Gene: PLXNA1 (plexin A1; plus strand). Cytogenetic location: 3q21.3.
Variant type: single nucleotide variant.
Coding change: c.3502C>T on transcript NM_032242.4 (MANE Select); coding-DNA position 3502, C replaced by T.
Protein change: p.Pro1168Ser; replaces proline 1168 with serine.
Molecular consequence: missense variant.
Genome position (GRCh38, 1-based): chr3:127,017,650, C>T. VCF-style: chr3-127017650-C-T. GRCh37 (hg19) VCF-style: chr3-126736493-C-T.
Other names: short protein forms P1168S.
Identifiers: ClinVar variation 3693992 (VCV003693992.2).

ClinVar aggregate classification (germline): Uncertain significance (1 of 4 stars; one submission).

gnomAD v4.1: 1 of 1,613,502 alleles (0.000062%); highest among the groups gnomAD compares: Admixed American, 0.0017%; no homozygotes.

Submission:

Labcorp Genetics (formerly Invitae), Labcorp
Classification: Uncertain significance. Last evaluated: 2024-04-14. Review status: criteria provided, single submitter. Criteria: Invitae Variant Classification Sherloc (09022015). Collection method: clinical testing. Allele origin: germline.
Comment: This sequence change replaces proline, which is neutral and non-polar, with serine, which is neutral and polar, at codon 1168 of the PLXNA1 protein (p.Pro1168Ser). This variant is present in population databases (no rsID available, gnomAD 0.003%). This variant has not been reported in the literature in individuals affected with PLXNA1-related conditions. Advanced modeling of protein sequence and biophysical properties (such as structural, functional, and spatial information, amino acid conservation, physicochemical variation, residue mobility, and thermodynamic stability) performed at Invitae indicates that this missense variant is not expected to disrupt PLXNA1 protein function with a negative predictive value of 80%. In summary, the available evidence is currently insufficient to determine the role of this variant in disease. Therefore, it has been classified as a Variant of Uncertain Significance.